The following is an entry in ClinVar:

NM_198253.3(TERT):c.1264_1265delinsTT (p.Ala422Leu)

Gene: TERT (telomerase reverse transcriptase; minus strand). Cytogenetic location: 5p15.33.
Variant type: Indel.
Coding change: c.1264_1265delinsTT on transcript NM_198253.3 (MANE Select); coding-DNA positions 1264 to 1265, GC replaced by TT.
Protein change: p.Ala422Leu; replaces alanine 422 with leucine.
Molecular consequence: missense variant. On other transcripts: non-coding transcript variant (2).
Genome position (GRCh38, 1-based): chr5:1,293,621-1,293,622, GC replaced by AA on the plus strand (GC replaced by TT on the coding strand, the reverse complement: TERT is on the minus strand). VCF-style: chr5-1293621-GC-AA. GRCh37 (hg19) VCF-style: chr5-1293736-GC-AA.
Other names: c.1264_1265delinsTT, p.Ala422Leu (NM_001193376.3); short protein forms A422L.
Identifiers: ClinVar variation 4786421 (VCV004786421.1).

ClinVar aggregate classification (germline): Uncertain significance (1 of 4 stars; one submission).

Conditions:
Dyskeratosis congenita, autosomal dominant 2. Identifiers: MedGen C3151443, MONDO:0013521, OMIM 613989.
Idiopathic Pulmonary Fibrosis. Also called: Idiopathic fibrosing alveolitis, chronic form; idiopathic fibrosing alveolitis. Identifiers: Orphanet 2032, MedGen C1800706, MeSH D054990, MONDO:0800504.

Submission:

Labcorp Genetics (formerly Invitae), Labcorp
Classification: Uncertain significance for Dyskeratosis congenita, autosomal dominant 2; Idiopathic Pulmonary Fibrosis. Last evaluated: 2025-10-13. Review status: criteria provided, single submitter. Criteria: Invitae Variant Classification Sherloc (09022015). Collection method: clinical testing. Allele origin: germline.
Comment: This sequence change replaces alanine, which is neutral and non-polar, with leucine, which is neutral and non-polar, at codon 422 of the TERT protein (p.Ala422Leu). Information on the frequency of this variant in the gnomAD database is not available, as this variant may be reported differently in the database. This variant has not been reported in the literature in individuals affected with TERT-related conditions. An algorithm developed to predict the effect of missense changes on protein structure and function (PolyPhen-2) suggests that this variant is likely to be tolerated. In summary, the available evidence is currently insufficient to determine the role of this variant in disease. Therefore, it has been classified as a Variant of Uncertain Significance.